The following is an entry in ClinVar:

ClinVar aggregate classification (germline): Conflicting classifications of pathogenicity. Review status: criteria provided, conflicting classifications (1 of 4 stars). 2 submissions from 2 submitters: Uncertain significance (1); Likely benign (1). Last evaluated 2025-01-15.

Conditions:
Charcot-Marie-Tooth disease axonal type 2O. Also called: CHARCOT-MARIE-TOOTH NEUROPATHY, AXONAL, TYPE 2O; CHARCOT-MARIE-TOOTH DISEASE, AXONAL, AUTOSOMAL DOMINANT, TYPE 2O; Charcot-Marie-Tooth Neuropathy Type 2O; Charcot-Marie-Tooth disease, axonal, type 20. Identifiers: Orphanet 284232, MedGen C3280220, MONDO:0013644, OMIM 614228.

gnomAD v4.1: 7 of 1,614,090 alleles (0.00043%); highest among the groups gnomAD compares: African/African-American, 0.0013%; no homozygotes.

Submissions (2):

Women's Health and Genetics/Laboratory Corporation of America, LabCorp
Classification: Uncertain significance. Last evaluated: 2025-01-15. Review status: criteria provided, single submitter. Criteria: LabCorp Variant Classification Summary - May 2015. Collection method: clinical testing. Allele origin: germline.
Comment: Variant summary: DYNC1H1 c.13872C>G (p.Phe4624Leu) results in a non-conservative amino acid change located in the Dynein heavy chain C-terminal domain (IPR041228) of the encoded protein sequence. Three of five in-silico tools predict a benign effect of the variant on protein function. The variant allele was found at a frequency of 4e-06 in 251494 control chromosomes. The available data on variant occurrences in the general population are insufficient to allow any conclusion about variant significance. To our knowledge, no occurrence of c.13872C>G in individuals affected with Charcot-Marie-Tooth disease axonal type 2O and no experimental evidence demonstrating its impact on protein function have been reported. ClinVar contains an entry for this variant (Variation ID: 2170465). Based on the evidence outlined above, the variant was classified as uncertain significance.

Labcorp Genetics (formerly Invitae), Labcorp
Classification: Likely benign for Charcot-Marie-Tooth disease axonal type 2O. Last evaluated: 2024-02-14. Review status: criteria provided, single submitter. Criteria: Invitae Variant Classification Sherloc (09022015). Collection method: clinical testing. Allele origin: germline.

NM_001376.5(DYNC1H1):c.13872C>G (p.Phe4624Leu)

Gene: DYNC1H1 (dynein cytoplasmic 1 heavy chain 1; plus strand). Cytogenetic location: 14q32.31.
Variant type: single nucleotide variant.
Coding change: c.13872C>G on transcript NM_001376.5 (MANE Select); coding-DNA position 13872, C replaced by G.
Protein change: p.Phe4624Leu; replaces phenylalanine 4624 with leucine.
Molecular consequence: missense variant.
Genome position (GRCh38, 1-based): chr14:102,050,494, C>G. VCF-style: chr14-102050494-C-G. GRCh37 (hg19) VCF-style: chr14-102516831-C-G.
Other names: short protein forms F4624L.
Identifiers: ClinVar variation 2170465 (VCV002170465.6), dbSNP rs375918532, ClinGen allele CA391052439.
Genomic context (GRCh38, chr14:102,050,494, plus strand): 5'-GGTAACCTTACCTGTCTACCTGAACTTCACCCGTGCAGACCTCATCTTCACCGTGGACTT[C>G]GAAATTGCTACAAAGGAGGATCCTCGCAGCTTCTACGAGCGGGGTGTCGCAGTCTTGTGC-3'
Protein context (NP_001367.2, residues 4614-4634): TRADLIFTVD[Phe4624Leu]EIATKEDPRS